The following is an entry in ClinVar:

NM_024426.6(WT1):c.1201C>T (p.Pro401Ser)

Gene: WT1 (WT1 transcription factor; minus strand). Cytogenetic location: 11p13.
Variant type: single nucleotide variant.
Coding change: c.1201C>T on transcript NM_024426.6 (MANE Select); coding-DNA position 1201, C replaced by T.
Protein change: p.Pro401Ser; replaces proline 401 with serine.
Molecular consequence: missense variant. On other transcripts: non-coding transcript variant (2).
Genome position (GRCh38, 1-based): chr11:32,396,320, G>A on the plus strand (C>T on the coding strand, the complement: WT1 is on the minus strand). VCF-style: chr11-32396320-G-A. GRCh37 (hg19) VCF-style: chr11-32417866-G-A.
Other names: c.1150C>T, p.Pro384Ser (NM_000378.6, NM_001407045.1, NM_001407048.1 and 1 more transcripts); c.550C>T, p.Pro184Ser (NM_001198551.2); c.499C>T, p.Pro167Ser (NM_001198552.2); c.13C>T, p.Pro5Ser (NM_001367854.1); c.1195C>T, p.Pro399Ser (NM_001407044.1); c.1201C>T, p.Pro401Ser (NM_001407046.1, NM_024424.5); c.1078C>T, p.Pro360Ser (NM_001407047.1); c.1027C>T, p.Pro343Ser (NM_001407050.1); and 3 more; short protein forms P184S, P328S, P384S, P399S, P147S, P396S, P5S, P360S.
Identifiers: ClinVar variation 4634859 (VCV004634859.1).
Genomic context (GRCh38, chr11:32,396,320, plus strand): 5'-TGTGCTTCCTGCTGTGCATCTGTAAGTGGGACAGCTTAAAATATCTCTTATTGCAGCCTG[G>A]GTAAGCACACATGAAGGGGCGTTTCTCACTGGTCTCAGATGCCGACCGTACAAGAGTCGG-3'
Protein context (NP_077744.4, residues 391-411): SEKRPFMCAY[Pro401Ser]GCNKRYFKLS

ClinVar aggregate classification (germline): Uncertain significance (1 of 4 stars; one submission).

Conditions:
Inborn genetic diseases. Identifiers: MedGen C0950123, MeSH D030342.

Submission:

Ambry Genetics
Classification: Uncertain significance for Inborn genetic diseases. Last evaluated: 2025-11-05. Review status: criteria provided, single submitter. Criteria: Ambry Variant Classification Scheme 2023. Collection method: clinical testing. Allele origin: germline.
Comment: The p.P396S variant (also known as c.1186C>T), located in coding exon 7 of the WT1 gene, results from a C to T substitution at nucleotide position 1186. The proline at codon 396 is replaced by serine, an amino acid with similar properties. This amino acid position is highly conserved in available vertebrate species. In addition, this alteration is predicted to be tolerated by in silico analysis. Based on the available evidence, the clinical significance of this variant remains unclear.